The following is an entry in ClinVar:

ClinVar aggregate classification (germline): Uncertain significance (1 of 4 stars; one submission).

Allele frequency attached by ClinVar (database versions not stated): ExAC 0.00001; gnomAD exomes 0.00001.
gnomAD v4.1: 15 of 1,611,436 alleles (0.00093%); highest among the groups gnomAD compares: Non-Finnish European, 0.0013%; no homozygotes.

Submission:

Labcorp Genetics (formerly Invitae), Labcorp
Classification: Uncertain significance. Last evaluated: 2023-01-23. Review status: criteria provided, single submitter. Criteria: Invitae Variant Classification Sherloc (09022015). Collection method: clinical testing. Allele origin: germline.
Comment: This sequence change replaces glutamine, which is neutral and polar, with lysine, which is basic and polar, at codon 923 of the ARHGEF1 protein (p.Gln923Lys). In summary, the available evidence is currently insufficient to determine the role of this variant in disease. Therefore, it has been classified as a Variant of Uncertain Significance. Algorithms developed to predict the effect of missense changes on protein structure and function (SIFT, PolyPhen-2, Align-GVGD) all suggest that this variant is likely to be tolerated. This variant has not been reported in the literature in individuals affected with ARHGEF1-related conditions. This variant is present in population databases (rs781824527, gnomAD 0.002%).

NM_004706.4(ARHGEF1):c.2722C>A (p.Gln908Lys)

Gene: ARHGEF1 (Rho guanine nucleotide exchange factor 1; plus strand). Cytogenetic location: 19q13.2.
Variant type: single nucleotide variant.
Coding change: c.2722C>A on transcript NM_004706.4 (MANE Select); coding-DNA position 2722, C replaced by A.
Protein change: p.Gln908Lys; replaces glutamine 908 with lysine.
Molecular consequence: missense variant. On other transcripts: non-coding transcript variant (2).
Genome position (GRCh38, 1-based): chr19:41,906,769, C>A. VCF-style: chr19-41906769-C-A. GRCh37 (hg19) VCF-style: chr19-42410921-C-A.
Other names: c.2890C>A, p.Gln964Lys (NM_001396000.1); c.2459C>A, p.Pro820Gln (NM_001396002.1, NM_001396004.1); c.2558C>A, p.Pro853Gln (NM_001396003.1, NM_001396006.1); c.2623C>A, p.Gln875Lys (NM_198977.2); c.2767C>A, p.Gln923Lys (NM_199002.2); short protein forms P820Q, P853Q, Q908K, Q964K, Q923K, Q875K.
Identifiers: ClinVar variation 2880754 (VCV002880754.3), dbSNP rs781824527, ClinGen allele CA9466824.